The following is an entry in ClinVar:

ClinVar aggregate classification (germline): Uncertain significance (1 of 4 stars; one submission).

Submission:

Labcorp Genetics (formerly Invitae), Labcorp
Classification: Uncertain significance. Last evaluated: 2025-10-08. Review status: criteria provided, single submitter. Criteria: Invitae Variant Classification Sherloc (09022015). Collection method: clinical testing. Allele origin: germline.
Comment: This sequence change replaces histidine, which is basic and polar, with asparagine, which is neutral and polar, at codon 1032 of the DNA2 protein (p.His1032Asn). This variant is not present in population databases (gnomAD no frequency). This variant has not been reported in the literature in individuals affected with DNA2-related conditions. Invitae Evidence Modeling of protein sequence and biophysical properties (such as structural, functional, and spatial information, amino acid conservation, physicochemical variation, residue mobility, and thermodynamic stability) indicates that this missense variant is not expected to disrupt DNA2 protein function with a negative predictive value of 80%. In summary, the available evidence is currently insufficient to determine the role of this variant in disease. Therefore, it has been classified as a Variant of Uncertain Significance.

NM_001080449.3(DNA2):c.3094C>A (p.His1032Asn)

Gene: DNA2 (DNA replication helicase/nuclease 2; minus strand). Cytogenetic location: 10q21.3.
Variant type: single nucleotide variant.
Coding change: c.3094C>A on transcript NM_001080449.3 (MANE Select); coding-DNA position 3094, C replaced by A.
Protein change: p.His1032Asn; replaces histidine 1032 with asparagine.
Molecular consequence: missense variant. On other transcripts: non-coding transcript variant (1).
Genome position (GRCh38, 1-based): chr10:68,416,729, G>T on the plus strand (C>A on the coding strand, the complement: DNA2 is on the minus strand). VCF-style: chr10-68416729-G-T. GRCh37 (hg19) VCF-style: chr10-70176486-G-T.
Other names: short protein forms H1032N.
Identifiers: ClinVar variation 4774171 (VCV004774171.1).
Genomic context (GRCh38, chr10:68,416,729, plus strand): 5'-GTGCAATCAAATGTGACCATATACAGAAGAAAAAGGATATTAATTTTTCTGAGTTTAAAT[G>T]ATTAAGCAGCTTCTCCAAAGGAGGATAGCAATTTAGTGAGGGCACACACCCCAGAAGAAT-3'
Protein context (NP_001073918.2, residues 1022-1042): CYPPLEKLLN[His1032Asn]LNSEKLIIDL